The following is an entry in ClinVar:

ClinVar aggregate classification (germline): Uncertain significance (1 of 4 stars; one submission).

Conditions:
Congenital contractural arachnodactyly (CCA). Also called: BEALS SYNDROME; Beals-Hecht syndrome; Arthrogryposis, distal, type 9. Identifiers: Orphanet 115, MedGen C0220668, MONDO:0007363, OMIM 121050.

Submission:

Labcorp Genetics (formerly Invitae), Labcorp
Classification: Uncertain significance for Congenital contractural arachnodactyly. Last evaluated: 2022-11-19. Review status: criteria provided, single submitter. Criteria: Invitae Variant Classification Sherloc (09022015). Collection method: clinical testing. Allele origin: germline.
Comment: This variant is not present in population databases (gnomAD no frequency). This variant has not been reported in the literature in individuals affected with FBN2-related conditions. Advanced modeling of protein sequence and biophysical properties (such as structural, functional, and spatial information, amino acid conservation, physicochemical variation, residue mobility, and thermodynamic stability) performed at Invitae indicates that this missense variant is not expected to disrupt FBN2 protein function. In summary, the available evidence is currently insufficient to determine the role of this variant in disease. Therefore, it has been classified as a Variant of Uncertain Significance. This sequence change replaces glutamine, which is neutral and polar, with arginine, which is basic and polar, at codon 80 of the FBN2 protein (p.Gln80Arg).

NM_001999.4(FBN2):c.239A>G (p.Gln80Arg)

Gene: FBN2 (fibrillin 2; minus strand). Cytogenetic location: 5q23.3.
Variant type: single nucleotide variant.
Coding change: c.239A>G on transcript NM_001999.4 (MANE Select); coding-DNA position 239, A replaced by G.
Protein change: p.Gln80Arg; replaces glutamine 80 with arginine.
Molecular consequence: missense variant.
Genome position (GRCh38, 1-based): chr5:128,537,365, T>C on the plus strand (A>G on the coding strand, the complement: FBN2 is on the minus strand). VCF-style: chr5-128537365-T-C. GRCh37 (hg19) VCF-style: chr5-127873058-T-C.
Other names: short protein forms Q80R.
Identifiers: ClinVar variation 2909699 (VCV002909699.3), dbSNP rs2479827419, ClinGen allele CA360761836.
Genomic context (GRCh38, chr5:128,537,365, plus strand): 5'-TCCCCCAAGCCGGAGCCCTAGGTGCGGAGCCGCTTGCCCACTTACCCTCGGAGCACGTCC[T>C]GCTGTCCTCGCCGGCGGACGCGGCTGGCCACTGCGGCACCCTCCTCGCGATACTCGGGCG-3'
Protein context (NP_001990.2, residues 70-90): VASRVRRRGQ[Gln80Arg]DVLRGPNVCG